The following is an entry in ClinVar:

ClinVar aggregate classification (germline): Uncertain significance (1 of 4 stars; one submission).

Conditions:
Neuropathy, hereditary sensory and autonomic, type 2A (HSAN2A). Also called: MORVAN DISEASE; NEUROPATHY, CONGENITAL SENSORY; NEUROPATHY, HEREDITARY SENSORY RADICULAR, AUTOSOMAL RECESSIVE; NEUROPATHY, HEREDITARY SENSORY, TYPE IIA; NEUROPATHY, PROGRESSIVE SENSORY, OF CHILDREN; ACROOSTEOLYSIS, GIACCAI TYPE. Identifiers: Orphanet 970, MedGen C2752089, MONDO:0024309, OMIM 201300.
Generalized epilepsy with febrile seizures plus, type 7 (GEFSP7). Also called: GEFS+, TYPE 7. Identifiers: Orphanet 36387, MedGen C2751778, MONDO:0013470, OMIM 613863.

Allele frequency attached by ClinVar (database versions not stated): gnomAD 0.00001; ExAC 0.00003.
gnomAD v4.1: 1 of 1,604,672 alleles (0.000062%); no homozygotes.

Submission:

Labcorp Genetics (formerly Invitae), Labcorp
Classification: Uncertain significance for Neuropathy, hereditary sensory and autonomic, type 2A; Generalized epilepsy with febrile seizures plus, type 7. Last evaluated: 2022-08-31. Review status: criteria provided, single submitter. Criteria: Invitae Variant Classification Sherloc (09022015). Collection method: clinical testing. Allele origin: germline.
Comment: ClinVar contains an entry for this variant (Variation ID: 1060982). This variant has not been reported in the literature in individuals affected with SCN9A-related conditions. This variant is not present in population databases (gnomAD no frequency). This sequence change replaces leucine, which is neutral and non-polar, with isoleucine, which is neutral and non-polar, at codon 293 of the SCN9A protein (p.Leu293Ile). Algorithms developed to predict the effect of missense changes on protein structure and function output the following: SIFT: "Tolerated"; PolyPhen-2: "Benign"; Align-GVGD: "Class C0". The isoleucine amino acid residue is found in multiple mammalian species, which suggests that this missense change does not adversely affect protein function. In summary, the available evidence is currently insufficient to determine the role of this variant in disease. Therefore, it has been classified as a Variant of Uncertain Significance.

NM_001365536.1(SCN9A):c.877C>A (p.Leu293Ile)

Gene: SCN9A (sodium voltage-gated channel alpha subunit 9; minus strand). Cytogenetic location: 2q24.3.
Variant type: single nucleotide variant.
Coding change: c.877C>A on transcript NM_001365536.1 (MANE Select); coding-DNA position 877, C replaced by A.
Protein change: p.Leu293Ile; replaces leucine 293 with isoleucine.
Molecular consequence: missense variant.
Genome position (GRCh38, 1-based): chr2:166,303,114, G>T on the plus strand (C>A on the coding strand, the complement: SCN9A is on the minus strand). VCF-style: chr2-166303114-G-T. GRCh37 (hg19) VCF-style: chr2-167159624-G-T.
Other names: c.877C>A, p.Leu293Ile (NM_002977.4); short protein forms L293I.
Identifiers: ClinVar variation 1060982 (VCV001060982.9), dbSNP rs780316047, ClinGen allele CA1944645.